The following is an entry in ClinVar:

NM_002775.5(HTRA1):c.1382T>C (p.Val461Ala)

Gene: HTRA1 (HtrA serine peptidase 1; plus strand). Cytogenetic location: 10q26.13.
Variant type: single nucleotide variant.
Coding change: c.1382T>C on transcript NM_002775.5 (MANE Select); coding-DNA position 1382, T replaced by C.
Protein change: p.Val461Ala; replaces valine 461 with alanine.
Molecular consequence: missense variant.
Genome position (GRCh38, 1-based): chr10:122,514,298, T>C. VCF-style: chr10-122514298-T-C. GRCh37 (hg19) VCF-style: chr10-124273814-T-C.
Other names: short protein forms V461A.
Identifiers: ClinVar variation 4773138 (VCV004773138.1).

ClinVar aggregate classification (germline): Uncertain significance (1 of 4 stars; one submission).

gnomAD v4.1: 10 of 1,614,090 alleles (0.00062%); highest among the groups gnomAD compares: Non-Finnish European, 0.00085%; no homozygotes.

Submission:

Labcorp Genetics (formerly Invitae), Labcorp
Classification: Uncertain significance. Last evaluated: 2025-12-03. Review status: criteria provided, single submitter. Criteria: Invitae Variant Classification Sherloc (09022015). Collection method: clinical testing. Allele origin: germline.
Comment: This sequence change replaces valine, which is neutral and non-polar, with alanine, which is neutral and non-polar, at codon 461 of the HTRA1 protein (p.Val461Ala). This variant is not present in population databases (gnomAD no frequency). This variant has not been reported in the literature in individuals affected with HTRA1-related conditions. Invitae Evidence Modeling of protein sequence and biophysical properties (such as structural, functional, and spatial information, amino acid conservation, physicochemical variation, residue mobility, and thermodynamic stability) has been performed for this missense variant. However, the output from this modeling did not meet the statistical confidence thresholds required to predict the impact of this variant on HTRA1 protein function. In summary, the available evidence is currently insufficient to determine the role of this variant in disease. Therefore, it has been classified as a Variant of Uncertain Significance.